The following is an entry in ClinVar:

ClinVar aggregate classification (germline): Uncertain significance (1 of 4 stars; one submission).

Allele frequency attached by ClinVar (database versions not stated): gnomAD exomes 0.00002; ExAC 0.00005.

Submission:

Labcorp Genetics (formerly Invitae), Labcorp
Classification: Uncertain significance. Last evaluated: 2023-09-21. Review status: criteria provided, single submitter. Criteria: Invitae Variant Classification Sherloc (09022015). Collection method: clinical testing. Allele origin: germline.
Comment: Advanced modeling of protein sequence and biophysical properties (such as structural, functional, and spatial information, amino acid conservation, physicochemical variation, residue mobility, and thermodynamic stability) performed at Invitae indicates that this missense variant is not expected to disrupt ANKH protein function. In summary, the available evidence is currently insufficient to determine the role of this variant in disease. Therefore, it has been classified as a Variant of Uncertain Significance. This variant has not been reported in the literature in individuals affected with ANKH-related conditions. This variant is present in population databases (rs752084608, gnomAD 0.02%). This sequence change replaces alanine, which is neutral and non-polar, with valine, which is neutral and non-polar, at codon 95 of the ANKH protein (p.Ala95Val).

NM_054027.6(ANKH):c.284C>T (p.Ala95Val)

Gene: ANKH (ANKH inorganic pyrophosphate transport regulator; minus strand). Cytogenetic location: 5p15.2.
Variant type: single nucleotide variant.
Coding change: c.284C>T on transcript NM_054027.6 (MANE Select); coding-DNA position 284, C replaced by T.
Protein change: p.Ala95Val; replaces alanine 95 with valine.
Molecular consequence: missense variant.
Genome position (GRCh38, 1-based): chr5:14,769,004, G>A on the plus strand (C>T on the coding strand, the complement: ANKH is on the minus strand). VCF-style: chr5-14769004-G-A. GRCh37 (hg19) VCF-style: chr5-14769113-G-A.
Other names: short protein forms A95V.
Identifiers: ClinVar variation 2957402 (VCV002957402.2), dbSNP rs752084608, ClinGen allele CA3209179.
Genomic context (GRCh38, chr5:14,769,004, plus strand): 5'-TAGATTCGTCAGTGGCGGTCGGCGGCCTCACCTATCAGTGTGTGAAAGACGGCAGCGATG[G>A]CCCCTGCCACCACCATACACAGGACGGCTTTGGTCCTGTCTCTCTTGCTGTTCACAAACA-3'
Protein context (NP_473368.1, residues 85-105): KAVLCMVVAG[Ala95Val]IAAVFHTLIA